The following is an entry in ClinVar:

NM_016553.5(NUP62):c.549G>A (p.Thr183=)

Genes: NUP62 (nucleoporin 62; minus strand), IL4I1 (interleukin 4 induced 1; minus strand). Cytogenetic location: 19q13.33.
Variant type: single nucleotide variant.
Coding change: c.549G>A on transcript NM_016553.5 (MANE Select); coding-DNA position 549, G replaced by A.
Protein change: p.Thr183=; no amino-acid change (threonine 183 retained).
Molecular consequence: synonymous variant. On other transcripts: intron variant (3).
Genome position (GRCh38, 1-based): chr19:49,909,259, C>T on the plus strand (G>A on the coding strand, the complement: NUP62 is on the minus strand). VCF-style: chr19-49909259-C-T. GRCh37 (hg19) VCF-style: chr19-50412516-C-T.
Other names: c.549G>A, p.Thr183= (NM_001193357.2, NM_012346.5, NM_153718.4 and 1 more transcripts); c.-227-4938G>A (NM_001258017.2, NM_172374.3); c.-285-4938G>A (NM_001258018.2).
Identifiers: ClinVar variation 129847 (VCV000129847.17), dbSNP rs1984656, ClinGen allele CA154179.

ClinVar aggregate classification (germline): Benign. Review status: criteria provided, multiple submitters, no conflicts (2 of 4 stars). 4 submissions from 4 submitters: Benign (2). 2 of the submissions do not count toward it. Last evaluated 2026-02-01.

Conditions:
NUP62-related disorder. Also called: NUP62-related condition.

Allele frequency attached by ClinVar (database versions not stated): gnomAD exomes 0.01163; gnomAD 0.02052 and 0.02153; 1000 Genomes Project 0.02177; TOPMed 0.02290; ESP Exome Variant Server 0.02199; ExAC 0.01243; 1000 Genomes Project 30x 0.02264.
gnomAD v4.1: 20,962 of 1,613,954 alleles (1.3%); highest among the groups gnomAD compares: African/African-American, 4.6%; 205 homozygotes.

Submissions (4):

Labcorp Genetics (formerly Invitae), Labcorp
Classification: Benign. Last evaluated: 2026-02-01. Review status: criteria provided, single submitter. Criteria: Invitae Variant Classification Sherloc (09022015). Collection method: clinical testing. Allele origin: germline.

Breakthrough Genomics
Classification: Benign. Review status: criteria provided, single submitter. Criteria: ACMG Guidelines, 2015. Collection method: not provided. Allele origin: germline. Inheritance: Autosomal recessive inheritance. Affected: yes.

PreventionGenetics, part of Exact Sciences
Classification: Benign for NUP62-related condition. Last evaluated: 2019-09-10. Review status: no assertion criteria provided. Collection method: clinical testing. Allele origin: germline. Not counted in ClinVar's aggregate classification.
Comment: This variant is classified as benign based on ACMG/AMP sequence variant interpretation guidelines (Richards et al. 2015 PMID: 25741868, with internal and published modifications).

Genetic Services Laboratory, University of Chicago
Classification: Likely benign for AllHighlyPenetrant. Review status: no assertion criteria provided. Collection method: clinical testing. Allele origin: germline. Inheritance: Autosomal recessive inheritance. Not counted in ClinVar's aggregate classification.
Comment: Likely benign based on allele frequency in 1000 Genomes Project or ESP global frequency and its presence in a patient with a rare or unrelated disease phenotype. NOT Sanger confirmed.